The following is an entry in ClinVar:

NM_003235.5(TG):c.7709C>T (p.Thr2570Met)

Gene: TG (thyroglobulin; plus strand). Cytogenetic location: 8q24.22.
Variant type: single nucleotide variant.
Coding change: c.7709C>T on transcript NM_003235.5 (MANE Select); coding-DNA position 7709, C replaced by T.
Protein change: p.Thr2570Met; replaces threonine 2570 with methionine.
Molecular consequence: missense variant.
Genome position (GRCh38, 1-based): chr8:133,113,558, C>T. VCF-style: chr8-133113558-C-T. GRCh37 (hg19) VCF-style: chr8-134125802-C-T.
Other names: short protein forms T2570M.
Identifiers: ClinVar variation 4981667 (VCV004981667.1).

ClinVar aggregate classification (germline): Uncertain significance (1 of 4 stars; one submission).

Conditions:
TG-related disorder. Also called: TG-related condition; TG-related disorders.

gnomAD v4.1: 141 of 1,614,168 alleles (0.0087%); highest among the groups gnomAD compares: East Asian, 0.033%; no homozygotes.

Submission:

PreventionGenetics, part of Exact Sciences
Classification: Uncertain significance for TG-related condition. Last evaluated: 2025-05-07. Review status: criteria provided, single submitter. Criteria: ACMG Guidelines, 2015. Collection method: clinical testing. Allele origin: germline.
Comment: The TG c.7709C>T variant is predicted to result in the amino acid substitution p.Thr2570Met. To our knowledge, this variant has not been reported in the literature. This variant is reported in 0.090% of alleles in individuals of East Asian descent in gnomAD. Although we suspect that this variant may be benign, at this time, the clinical significance of this variant is uncertain due to the absence of conclusive functional and genetic evidence.